The following is an entry in ClinVar:

ClinVar aggregate classification (germline): Uncertain significance (1 of 4 stars; one submission).

gnomAD v4.1: 109 of 1,591,920 alleles (0.0068%); highest among the groups gnomAD compares: Non-Finnish European, 0.0092%; no homozygotes.

Submission:

Ambry Genetics
Classification: Uncertain significance. Last evaluated: 2025-10-02. Review status: criteria provided, single submitter. Criteria: Ambry Variant Classification Scheme 2023. Collection method: clinical testing. Allele origin: germline.
Comment: The c.5554C>G (p.P1852A) alteration is located in exon 52 (coding exon 52) of the DOCK5 gene. This alteration results from a C to G substitution at nucleotide position 5554, causing the proline (P) at amino acid position 1852 to be replaced by an alanine (A). Based on data from gnomAD, the G allele has an overall frequency of 0.006% (13/222810) total alleles studied. The highest observed frequency was 0.013% (13/101794) of European (non-Finnish) alleles. Based on insufficient or conflicting evidence, the clinical significance of this alteration remains unclear.

NM_024940.8(DOCK5):c.5554C>G (p.Pro1852Ala)

Gene: DOCK5 (dedicator of cytokinesis 5; plus strand). Cytogenetic location: 8p21.2.
Variant type: single nucleotide variant.
Coding change: c.5554C>G on transcript NM_024940.8 (MANE Select); coding-DNA position 5554, C replaced by G.
Protein change: p.Pro1852Ala; replaces proline 1852 with alanine.
Molecular consequence: missense variant.
Genome position (GRCh38, 1-based): chr8:25,411,239, C>G. VCF-style: chr8-25411239-C-G. GRCh37 (hg19) VCF-style: chr8-25268755-C-G.
Other names: short protein forms P1852A.
Identifiers: ClinVar variation 2623645 (VCV002623645.3), dbSNP rs746172574, ClinGen allele CA4683580.
Genomic context (GRCh38, chr8:25,411,239, plus strand): 5'-TTTCTGCTTCTGCAGCTCGCTCCCCCACTGCCTGTCCGAAGAGAAGCCAAAGCACCACCC[C>G]CTCCACCTCCAAAGGCTCGGAAGTCTGGCATCCCTACTTCCGAGCCTGGATCCCAGTAAG-3'
Protein context (NP_079216.4, residues 1842-1862): PVRREAKAPP[Pro1852Ala]PPPKARKSGI